The following is an entry in ClinVar:

NM_001130072.2(EPN1):c.608C>T (p.Pro203Leu)

Gene: EPN1 (epsin 1; plus strand). Cytogenetic location: 19q13.42.
Variant type: single nucleotide variant.
Coding change: c.608C>T on transcript NM_001130072.2 (MANE Select); coding-DNA position 608, C replaced by T.
Protein change: p.Pro203Leu; replaces proline 203 with leucine.
Molecular consequence: missense variant. On other transcripts: intron variant (2).
Genome position (GRCh38, 1-based): chr19:55,689,301, C>T. VCF-style: chr19-55689301-C-T. GRCh37 (hg19) VCF-style: chr19-56200667-C-T.
Other names: c.608C>T, p.Pro203Leu (NM_001321263.2); c.603+307C>T (NM_013333.4); c.936+307C>T (NM_001130071.2); short protein forms P203L.
Identifiers: ClinVar variation 2650540 (VCV002650540.24), dbSNP rs200478642, ClinGen allele CA9679719.

ClinVar aggregate classification (germline): Likely benign (1 of 4 stars; one submission).

Allele frequency attached by ClinVar (database versions not stated): 1000 Genomes Project 30x 0.00234; 1000 Genomes Project 0.00240; ExAC 0.00318; gnomAD 0.00374; TOPMed 0.00410.

Submission:

CeGaT Center for Human Genetics Tuebingen
Classification: Likely benign. Last evaluated: 2023-03-01. Review status: criteria provided, single submitter. Criteria: CeGaT Center For Human Genetics Tuebingen Variant Classification Criteria Version 2. Collection method: clinical testing. Allele origin: germline. Affected: yes. Observed: 1 variant allele.
Comment: EPN1: BP4, BS2